The following is an entry in ClinVar:

ClinVar aggregate classification (germline): Likely benign (0 of 4 stars; one submission).

Conditions:
PHF2-related disorder. Also called: PHF2-related condition.

Allele frequency attached by ClinVar (database versions not stated): 1000 Genomes Project 0.00180; 1000 Genomes Project 30x 0.00187; gnomAD 0.00238; ExAC 0.00239; TOPMed 0.00242; ESP Exome Variant Server 0.00285.
gnomAD v4.1: 5,369 of 1,610,468 alleles (0.33%); highest among the groups gnomAD compares: Non-Finnish European, 0.42%; 9 homozygotes.

Submission:

PreventionGenetics, part of Exact Sciences
Classification: Likely benign for PHF2-related condition. Last evaluated: 2022-07-29. Review status: no assertion criteria provided. Collection method: clinical testing. Allele origin: germline.
Comment: This variant is classified as likely benign based on ACMG/AMP sequence variant interpretation guidelines (Richards et al. 2015 PMID: 25741868, with internal and published modifications).

NM_005392.4(PHF2):c.1439C>T (p.Pro480Leu)

Gene: PHF2 (PHD finger protein 2; plus strand). Cytogenetic location: 9q22.31.
Variant type: single nucleotide variant.
Coding change: c.1439C>T on transcript NM_005392.4 (MANE Select); coding-DNA position 1439, C replaced by T.
Protein change: p.Pro480Leu; replaces proline 480 with leucine.
Molecular consequence: missense variant.
Genome position (GRCh38, 1-based): chr9:93,660,301, C>T. VCF-style: chr9-93660301-C-T. GRCh37 (hg19) VCF-style: chr9-96422583-C-T.
Other names: short protein forms P480L.
Identifiers: ClinVar variation 3040351 (VCV003040351.2), dbSNP rs146063352, ClinGen allele CA5132685.